The following is an entry in ClinVar:

ClinVar aggregate classification (germline): Pathogenic. Review status: criteria provided, single submitter (1 of 4 stars). 2 submissions from 2 submitters: Pathogenic (1). 1 of the submissions does not count toward it.

Conditions:
Oocyte maturation defect 4. Also called: OOCYTE/ZYGOTE/EMBRYO MATURATION ARREST 4. Identifiers: MedGen C4540284, MONDO:0021575, OMIM 617743.

Allele frequency attached by ClinVar (database versions not stated): gnomAD exomes 0.00004 and 0.00021; gnomAD 0.00005 and 0.00006; ExAC 0.00006; TOPMed 0.00013.

Submissions (2):

Juno Genomics, Hangzhou Juno Genomics, Inc
Classification: Pathogenic for Oocyte maturation defect 4. Review status: criteria provided, single submitter. Criteria: ACMG Guidelines, 2015. Collection method: clinical testing. Allele origin: germline.
Comment: For recessive disorders, detected in trans with a pathogenic variant.;Patient's phenotype or family history is highly specific for a disease with a single genetic etiology.;Co-segregation with disease in multiple affected family members.

OMIM
Classification: Pathogenic for OOCYTE/ZYGOTE/EMBRYO MATURATION ARREST 4. Last evaluated: 2023-04-17. Review status: no assertion criteria provided. Collection method: literature only. Allele origin: germline. Not counted in ClinVar's aggregate classification.

Literature cited by the submitters: PubMed 28965849 (cited by OMIM); PubMed 35091966 (cited by OMIM).

NM_001387263.1(PATL2):c.223-14_223-2del

Gene: PATL2 (PAT1 homolog 2; minus strand). Cytogenetic location: 15q21.1.
Variant type: Deletion.
Coding change: c.223-14_223-2del on transcript NM_001387263.1 (MANE Select); 14 bases into the intron before coding-DNA position 223 through the canonical splice acceptor site of the intron before coding-DNA position 223, 13 bases deleted (CCCTCCTGTTCCA).
Molecular consequence: splice acceptor variant. On other transcripts: intron variant (1).
Genome position (GRCh38, 1-based): chr15:44,674,232-44,674,244, TGGAACAGGAGGG deleted on the plus strand (CCCTCCTGTTCCA on the coding strand, the reverse complement: PATL2 is on the minus strand). VCF-style (leftmost placement, unchanged base first): chr15-44674231-CTGGAACAGGAGGG-C. GRCh37 (hg19) VCF-style: chr15-44966429-CTGGAACAGGAGGG-C.
Other names: c.223-14_223-2del (NM_001387260.1, NM_001387261.1, NM_001387262.1 and 2 more transcripts); c.-348+49_-348+61del (NM_001330283.2); c.223-14_223-2delCCCTCCTGTTCCA (NM_001145112.1).
Identifiers: ClinVar variation 444049 (VCV000444049.4), dbSNP rs751701388, ClinGen allele CA7536200.